The following is an entry in ClinVar:

ClinVar aggregate classification (germline): Pathogenic (1 of 4 stars; one submission).

Submission:

Labcorp Genetics (formerly Invitae), Labcorp
Classification: Pathogenic. Last evaluated: 2021-07-21. Review status: criteria provided, single submitter. Criteria: Invitae Variant Classification Sherloc (09022015). Collection method: clinical testing. Allele origin: germline.
Comment: This sequence change creates a premature translational stop signal (p.Arg3Profs*22) in the MAK gene. It is expected to result in an absent or disrupted protein product. Loss-of-function variants in MAK are known to be pathogenic (PMID: 21148103, 21825139, 24938718, 29781741). This variant is not present in population databases (ExAC no frequency). This variant has not been reported in the literature in individuals affected with MAK-related conditions. For these reasons, this variant has been classified as Pathogenic.

Literature cited by the submitters: PubMed 21148103; PubMed 21825139; PubMed 24938718; PubMed 29781741.

NM_001242957.3(MAK):c.7dup (p.Arg3fs)

Gene: MAK (male germ cell associated kinase; minus strand). Cytogenetic location: 6p24.2.
Variant type: Duplication.
Coding change: c.7dup on transcript NM_001242957.3 (MANE Select); coding-DNA position 7, one base duplicated (C; older notation c.7dupC).
Protein change: p.Arg3fs; shifts the reading frame from arginine 3.
Molecular consequence: frameshift variant. On other transcripts: non-coding transcript variant (2), intron variant (1).
Genome position (GRCh38, 1-based): chr6:10,830,642, G duplicated on the plus strand (C on the coding strand, the reverse complement: MAK is on the minus strand); the first of 2 consecutive G bases (chr6:10,830,642-10,830,643); duplicating either gives the same sequence. VCF-style (leftmost placement, unchanged base first): chr6-10830641-C-CG. GRCh37 (hg19) VCF-style: chr6-10830874-C-CG.
Other names: c.7dup, p.Arg3fs (NM_001242385.2, NM_005906.6); c.-2+7861dup (NM_001377262.1); short protein forms R3fs.
Identifiers: ClinVar variation 1397863 (VCV001397863.1), dbSNP rs2127590606, ClinGen allele CA2573140141.